The following is an entry in ClinVar:

ClinVar aggregate classification (germline): Uncertain significance. Review status: criteria provided, multiple submitters, no conflicts (2 of 4 stars). 2 submissions from 2 submitters: Uncertain significance (2). Last evaluated 2025-10-13.

Conditions:
Baller-Gerold syndrome (BGS). Also called: CRANIOSYNOSTOSIS WITH RADIAL DEFECTS. Identifiers: Orphanet 1225, MedGen C0265308, MONDO:0009039, OMIM 218600.
Inborn genetic diseases. Identifiers: MedGen C0950123, MeSH D030342.

Submissions (2):

Ambry Genetics
Classification: Uncertain significance for Inborn genetic diseases. Last evaluated: 2025-10-13. Review status: criteria provided, single submitter. Criteria: Ambry Variant Classification Scheme 2023. Collection method: clinical testing. Allele origin: germline.
Comment: The p.E74D variant (also known as c.222G>C), located in coding exon 4 of the RECQL4 gene, results from a G to C substitution at nucleotide position 222. The glutamic acid at codon 74 is replaced by aspartic acid, an amino acid with highly similar properties. This amino acid position is conserved. In addition, this alteration is predicted to be tolerated by in silico analysis. Based on the available evidence, the clinical significance of this variant remains unclear.

Labcorp Genetics (formerly Invitae), Labcorp
Classification: Uncertain significance for Baller-Gerold syndrome. Last evaluated: 2021-12-29. Review status: criteria provided, single submitter. Criteria: Invitae Variant Classification Sherloc (09022015). Collection method: clinical testing. Allele origin: germline.
Comment: In summary, the available evidence is currently insufficient to determine the role of this variant in disease. Therefore, it has been classified as a Variant of Uncertain Significance. Experimental studies and prediction algorithms are not available or were not evaluated, and the functional significance of this variant is currently unknown. This variant has not been reported in the literature in individuals affected with RECQL4-related conditions. This variant is not present in population databases (gnomAD no frequency). This sequence change replaces glutamic acid, which is acidic and polar, with aspartic acid, which is acidic and polar, at codon 74 of the RECQL4 protein (p.Glu74Asp).

NM_004260.4(RECQL4):c.222G>C (p.Glu74Asp)

Gene: RECQL4 (RecQ like helicase 4; minus strand). Cytogenetic location: 8q24.3.
Variant type: single nucleotide variant.
Coding change: c.222G>C on transcript NM_004260.4 (MANE Select); coding-DNA position 222, G replaced by C.
Protein change: p.Glu74Asp; replaces glutamic acid 74 with aspartic acid.
Molecular consequence: missense variant.
Genome position (GRCh38, 1-based): chr8:144,517,182, C>G on the plus strand (G>C on the coding strand, the complement: RECQL4 is on the minus strand). VCF-style: chr8-144517182-C-G. GRCh37 (hg19) VCF-style: chr8-145742566-C-G.
Other names: c.222G>C, p.Glu74Asp (NM_001413017.1, NM_001413018.1, NM_001413019.1 and 5 more transcripts); c.-499G>C (NM_001413021.1); c.-850G>C (NM_001413022.1, NM_001413023.1, NM_001413037.1 and 3 more transcripts); c.-747G>C (NM_001413024.1, NM_001413035.1); c.93G>C, p.Glu31Asp (NM_001413025.1); c.-912G>C (NM_001413027.1, NM_001413030.1, NM_001413031.1 and 1 more transcripts); c.-575G>C (NM_001413028.1); c.-809G>C (NM_001413032.1); and 3 more; short protein forms E74D, E31D.
Identifiers: ClinVar variation 2064733 (VCV002064733.5), dbSNP rs776577712, ClinGen allele CA372692374.